The following is an entry in ClinVar:

ClinVar aggregate classification (germline): Benign (0 of 4 stars; one submission).

Conditions:
SLC5A9-related disorder. Also called: SLC5A9-related condition.

Allele frequency attached by ClinVar (database versions not stated): ESP Exome Variant Server 0.00277; gnomAD 0.00566; TOPMed 0.00631; 1000 Genomes Project 30x 0.01031; 1000 Genomes Project 0.01058.
gnomAD v4.1: 7,568 of 1,614,048 alleles (0.47%); highest among the groups gnomAD compares: Admixed American, 3.3%; 99 homozygotes.

Submission:

PreventionGenetics, part of Exact Sciences
Classification: Benign for SLC5A9-related condition. Last evaluated: 2019-12-05. Review status: no assertion criteria provided. Collection method: clinical testing. Allele origin: germline.
Comment: This variant is classified as benign based on ACMG/AMP sequence variant interpretation guidelines (Richards et al. 2015 PMID: 25741868, with internal and published modifications).

NM_001011547.3(SLC5A9):c.921G>A (p.Ser307=)

Gene: SLC5A9 (solute carrier family 5 member 9; plus strand). Cytogenetic location: 1p33.
Variant type: single nucleotide variant.
Coding change: c.921G>A on transcript NM_001011547.3 (MANE Select); coding-DNA position 921, G replaced by A.
Protein change: p.Ser307=; no amino-acid change (serine 307 retained).
Molecular consequence: synonymous variant.
Genome position (GRCh38, 1-based): chr1:48,232,390, G>A. VCF-style: chr1-48232390-G-A. GRCh37 (hg19) VCF-style: chr1-48698062-G-A.
Other names: c.996G>A, p.Ser332= (NM_001135181.2).
Identifiers: ClinVar variation 3037890 (VCV003037890.2), dbSNP rs61743842, ClinGen allele CA843733.
Genomic context (GRCh38, chr1:48,232,390, plus strand): 5'-CTACCTGCGCTGCACTCCTCATTTGCTGCCCTTTCAGGTCATTGTGCAGCGGTCTCTCTC[G>A]GCCAAGAGTCTGTCTCATGCCAAGGGAGGCTCCGTGCTGGGGGGCTACCTGAAGATCCTC-3'
Protein context (NP_001011547.2, residues 297-317): TDQVIVQRSL[Ser307=]AKSLSHAKGG